The following is an entry in ClinVar:

ClinVar aggregate classification (germline): Uncertain significance (1 of 4 stars; one submission).

gnomAD v4.1: 10 of 1,589,038 alleles (0.00063%); highest among the groups gnomAD compares: African/African-American, 0.0081%; no homozygotes.

Submission:

Women's Health and Genetics/Laboratory Corporation of America, LabCorp
Classification: Uncertain significance. Last evaluated: 2025-04-03. Review status: criteria provided, single submitter. Criteria: LabCorp Variant Classification Summary - May 2015. Collection method: clinical testing. Allele origin: germline.
Comment: Variant summary: TTN c.48979A>T (p.Ser16327Cys) results in a non-conservative amino acid change in the encoded protein sequence. Three of four in-silico tools predict a damaging effect of the variant on protein function. The variant allele was found at a frequency of 1.3e-05 in 229590 control chromosomes. The available data on variant occurrences in the general population are insufficient to allow any conclusion about variant significance. To our knowledge, no occurrence of c.48979A>T in individuals affected with TTN-related conditions and no experimental evidence demonstrating its impact on protein function have been reported. No submitters have cited clinical-significance assessments for this variant to ClinVar. Based on the evidence outlined above, the variant was classified as uncertain significance.

NM_001267550.2(TTN):c.56683A>T (p.Ser18895Cys)

Genes: TTN (titin; minus strand), TTN-AS1 (TTN antisense RNA 1; plus strand). Cytogenetic location: 2q31.2.
Variant type: single nucleotide variant.
Coding change: c.56683A>T on transcript NM_001267550.2 (MANE Select); coding-DNA position 56683, A replaced by T.
Protein change: p.Ser18895Cys; replaces serine 18895 with cysteine.
Molecular consequence: missense variant.
Genome position (GRCh38, 1-based): chr2:178,599,027, T>A on the plus strand (A>T on the coding strand, the complement: TTN is on the minus strand). VCF-style: chr2-178599027-T-A. GRCh37 (hg19) VCF-style: chr2-179463754-T-A.
Other names: c.51760A>T, p.Ser17254Cys (NM_001256850.1); c.29488A>T, p.Ser9830Cys (NM_003319.4); c.48979A>T, p.Ser16327Cys (NM_133378.4); c.29863A>T, p.Ser9955Cys (NM_133432.3); c.30064A>T, p.Ser10022Cys (NM_133437.4); short protein forms S10022C, S16327C, S17254C, S18895C, S9830C, S9955C.
Identifiers: ClinVar variation 3896494 (VCV003896494.2).